The following is an entry in ClinVar:

NM_001375524.1(TRRAP):c.8780G>A (p.Arg2927Gln)

Gene: TRRAP (transformation/transcription domain associated protein; plus strand). Cytogenetic location: 7q22.1.
Variant type: single nucleotide variant.
Coding change: c.8780G>A on transcript NM_001375524.1 (MANE Select); coding-DNA position 8780, G replaced by A.
Protein change: p.Arg2927Gln; replaces arginine 2927 with glutamine.
Molecular consequence: missense variant.
Genome position (GRCh38, 1-based): chr7:98,981,914, G>A. VCF-style: chr7-98981914-G-A. GRCh37 (hg19) VCF-style: chr7-98579537-G-A.
Other names: c.8759G>A, p.Arg2920Gln (NM_001244580.2); c.8705G>A, p.Arg2902Gln (NM_003496.4); short protein forms R2902Q, R2920Q, R2927Q.
Identifiers: ClinVar variation 3677502 (VCV003677502.2).
Genomic context (GRCh38, chr7:98,981,914, plus strand): 5'-AGCTCAGCTTCATCGAGCGCCTGGTGGAGATGGCCAGCAGCCTGGCCATCCGCGAGTGGC[G>A]GCGGCTGCCCCACGTAGTGTCCCACGTGCACACGCCTCTCCTACAGGTGCGTGCGGTGCC-3'
Protein context (NP_001362453.1, residues 2917-2937): MASSLAIREW[Arg2927Gln]RLPHVVSHVH

ClinVar aggregate classification (germline): Uncertain significance (1 of 4 stars; one submission).

gnomAD v4.1: 4 of 1,609,076 alleles (0.00025%); highest among the groups gnomAD compares: Non-Finnish European, 0.00034%; no homozygotes.

Submission:

Labcorp Genetics (formerly Invitae), Labcorp
Classification: Uncertain significance. Last evaluated: 2025-09-03. Review status: criteria provided, single submitter. Criteria: Invitae Variant Classification Sherloc (09022015). Collection method: clinical testing. Allele origin: germline.
Comment: This sequence change replaces arginine, which is basic and polar, with glutamine, which is neutral and polar, at codon 2902 of the TRRAP protein (p.Arg2902Gln). This variant is not present in population databases (gnomAD no frequency). This missense change has been observed in individual(s) with autism spectrum disorder (PMID: 33921431). This missense change has been observed in at least one individual who was not affected with TRRAP-related conditions (internal data). ClinVar contains an entry for this variant (Variation ID: 3677502). Invitae Evidence Modeling of protein sequence and biophysical properties (such as structural, functional, and spatial information, amino acid conservation, physicochemical variation, residue mobility, and thermodynamic stability) has been performed for this missense variant. However, the output from this modeling did not meet the statistical confidence thresholds required to predict the impact of this variant on TRRAP protein function. In summary, the available evidence is currently insufficient to determine the role of this variant in disease. Therefore, it has been classified as a Variant of Uncertain Significance.

Literature cited by the submitters: PubMed 33921431.